The following is an entry in ClinVar:

ClinVar aggregate classification (germline): Conflicting classifications of pathogenicity. Review status: criteria provided, conflicting classifications (1 of 4 stars). 5 submissions from 3 submitters: Uncertain significance (3); Likely benign (2). Last evaluated 2025-05-23.

Conditions:
BEST1-related disorder. Also called: BEST1-related disorders; BEST1-related condition. Identifiers: MedGen CN239200.
Vitelliform macular dystrophy 2. Also called: Best Vitelliform Macular Dystrophy (BVMD); MACULAR DEGENERATION, POLYMORPHIC VITELLINE; Best Macular Dystrophy; VITELLIFORM MACULAR DYSTROPHY, EARLY-ONSET; VITELLIFORM MACULAR DYSTROPHY, JUVENILE-ONSET; Best vitelliform macular dystrophy, multifocal. Identifiers: Orphanet 1243, MedGen C2745945, MONDO:0007931, OMIM 153700.
Autosomal dominant vitreoretinochoroidopathy. Also called: Autosomal Dominant Vitreoretinochoroidopathy (ADVIRC); VITREORETINOCHOROIDOPATHY WITH MICROCORNEA, GLAUCOMA, AND CATARACT; VITREORETINOCHOROIDOPATHY, AUTOSOMAL DOMINANT, WITH NANOPHTHALMOS. Identifiers: Orphanet 263347, Orphanet 3086, MedGen C3888099, MONDO:0008662, OMIM 193220.
Retinitis pigmentosa (RP). Identifiers: Orphanet 791, MedGen C0035334, MeSH D012174, MONDO:0019200, OMIM 268000. Inheritance: Autosomal dominant, autosomal recessive and X linked inheritance.

Allele frequency attached by ClinVar (database versions not stated): gnomAD 0.00001; TOPMed 0.00003; gnomAD exomes 0.00004; ExAC 0.00006.
gnomAD v4.1: 58 of 1,613,232 alleles (0.0036%); highest among the groups gnomAD compares: Admixed American, 0.02%; no homozygotes.

Submissions (5):

PreventionGenetics, part of Exact Sciences
Classification: Likely benign for BEST1-related condition. Last evaluated: 2025-05-23. Review status: criteria provided, single submitter. Criteria: ACMG Guidelines, 2015. Collection method: clinical testing. Allele origin: germline.
Comment: This variant is classified as likely benign based on ACMG/AMP sequence variant interpretation guidelines (Richards et al. 2015 PMID: 25741868, with internal and published modifications).

Labcorp Genetics (formerly Invitae), Labcorp
Classification: Uncertain significance. Last evaluated: 2022-09-19. Review status: criteria provided, single submitter. Criteria: Invitae Variant Classification Sherloc (09022015). Collection method: clinical testing. Allele origin: germline.
Comment: This sequence change falls in intron 2 of the BEST1 gene. It does not directly change the encoded amino acid sequence of the BEST1 protein. It affects a nucleotide within the consensus splice site. This variant is present in population databases (rs764420497, gnomAD 0.009%). This variant has not been reported in the literature in individuals affected with BEST1-related conditions. ClinVar contains an entry for this variant (Variation ID: 305118). Variants that disrupt the consensus splice site are a relatively common cause of aberrant splicing (PMID: 17576681, 9536098). Algorithms developed to predict the effect of sequence changes on RNA splicing suggest that this variant is not likely to affect RNA splicing. In summary, the available evidence is currently insufficient to determine the role of this variant in disease. Therefore, it has been classified as a Variant of Uncertain Significance.

Illumina Laboratory Services, Illumina
Classification: Uncertain significance for Vitelliform macular dystrophy 2. Last evaluated: 2018-01-13. Review status: criteria provided, single submitter. Criteria: ICSL Variant Classification Criteria 13 December 2019. Collection method: clinical testing. Allele origin: germline.

Illumina Laboratory Services, Illumina
Classification: Likely benign for Autosomal dominant vitreoretinochoroidopathy. Last evaluated: 2018-01-13. Review status: criteria provided, single submitter. Criteria: ICSL Variant Classification Criteria 13 December 2019. Collection method: clinical testing. Allele origin: germline.
Comment: This variant was observed in the ICSL laboratory as part of a predisposition screen in an ostensibly healthy population. It had not been previously curated by ICSL or reported in the Human Gene Mutation Database (HGMD: prior to June 1st, 2018), and was therefore a candidate for classification through an automated scoring system. Utilizing variant allele frequency, disease prevalence and penetrance estimates, and inheritance mode, an automated score was calculated to assess if this variant is too frequent to cause the disease. Based on the score and internal cut-off values, a variant classified as likely benign is not then subjected to further curation. The score for this variant resulted in a classification of likely benign for this disease.

Illumina Laboratory Services, Illumina
Classification: Uncertain significance for Retinitis pigmentosa. Last evaluated: 2018-01-13. Review status: criteria provided, single submitter. Criteria: ICSL Variant Classification Criteria 13 December 2019. Collection method: clinical testing. Allele origin: germline.

Literature cited by the submitters: PubMed 17576681 (cited by Labcorp Genetics (formerly Invitae), Labcorp); PubMed 9536098 (cited by Labcorp Genetics (formerly Invitae), Labcorp).

NM_004183.4(BEST1):c.152+6G>T

Gene: BEST1 (bestrophin 1; plus strand). Cytogenetic location: 11q12.3.
Variant type: single nucleotide variant.
Coding change: c.152+6G>T on transcript NM_004183.4 (MANE Select); 6 bases into the intron after coding-DNA position 152, G replaced by T.
Molecular consequence: intron variant.
Genome position (GRCh38, 1-based): chr11:61,951,964, G>T. VCF-style: chr11-61951964-G-T. GRCh37 (hg19) VCF-style: chr11-61719436-G-T.
Other names: c.152+6G>T (NM_001363592.2, NM_001440571.1, NM_001440572.1 and 1 more transcripts); c.-29+1537G>T (NM_001139443.3, NM_001300787.2, NM_001440574.1 and 3 more transcripts).
Identifiers: ClinVar variation 305118 (VCV000305118.11), dbSNP rs764420497, ClinGen allele CA6040680.